The following is an entry in ClinVar:

NM_006766.5(KAT6A):c.1669A>G (p.Met557Val)

Gene: KAT6A (lysine acetyltransferase 6A; minus strand). Cytogenetic location: 8p11.21.
Variant type: single nucleotide variant.
Coding change: c.1669A>G on transcript NM_006766.5 (MANE Select); coding-DNA position 1669, A replaced by G.
Protein change: p.Met557Val; replaces methionine 557 with valine.
Molecular consequence: missense variant.
Genome position (GRCh38, 1-based): chr8:41,949,293, T>C on the plus strand (A>G on the coding strand, the complement: KAT6A is on the minus strand). VCF-style: chr8-41949293-T-C. GRCh37 (hg19) VCF-style: chr8-41806811-T-C.
Other names: c.1669A>G, p.Met557Val (NM_001305878.2); short protein forms M557V.
Identifiers: ClinVar variation 3678062 (VCV003678062.2).

ClinVar aggregate classification (germline): Uncertain significance (1 of 4 stars; one submission).

gnomAD v4.1: 3 of 1,580,096 alleles (0.00019%); highest among the groups gnomAD compares: East Asian, 0.0046%; no homozygotes.

Submission:

Labcorp Genetics (formerly Invitae), Labcorp
Classification: Uncertain significance. Last evaluated: 2025-08-09. Review status: criteria provided, single submitter. Criteria: Invitae Variant Classification Sherloc (09022015). Collection method: clinical testing. Allele origin: germline.
Comment: This sequence change replaces methionine, which is neutral and non-polar, with valine, which is neutral and non-polar, at codon 557 of the KAT6A protein (p.Met557Val). This variant is not present in population databases (gnomAD no frequency). This variant has not been reported in the literature in individuals affected with KAT6A-related conditions. ClinVar contains an entry for this variant (Variation ID: 3678062). Invitae Evidence Modeling of protein sequence and biophysical properties (such as structural, functional, and spatial information, amino acid conservation, physicochemical variation, residue mobility, and thermodynamic stability) indicates that this missense variant is not expected to disrupt KAT6A protein function with a negative predictive value of 95%. In summary, the available evidence is currently insufficient to determine the role of this variant in disease. Therefore, it has been classified as a Variant of Uncertain Significance.